The following is an entry in ClinVar:

ClinVar aggregate classification (germline): Uncertain significance (1 of 4 stars; one submission).

Submission:

Women's Health and Genetics/Laboratory Corporation of America, LabCorp
Classification: Uncertain significance. Last evaluated: 2025-01-27. Review status: criteria provided, single submitter. Criteria: LabCorp Variant Classification Summary - May 2015. Collection method: clinical testing. Allele origin: germline.
Comment: Variant summary: KANSL1 c.-13C>T is located in the untranslated mRNA region upstream of the initiation codon. The variant was absent in 238044 control chromosomes. The available data on variant occurrences in the general population are insufficient to allow any conclusion about variant significance. To our knowledge, no occurrence of c.-13C>T in individuals affected with KANSL1-related conditions and no experimental evidence demonstrating its impact on protein function have been reported. No submitters have cited clinical-significance assessments for this variant to ClinVar. Based on the evidence outlined above, the variant was classified as uncertain significance.

NM_015443.4(KANSL1):c.-13C>T

Gene: KANSL1 (KAT8 regulatory NSL complex subunit 1). Cytogenetic location: 17q21.31.
Variant type: single nucleotide variant.
Coding change: c.-13C>T on transcript NM_015443.4 (MANE Select); 13 bases upstream of the start codon, C replaced by T.
Molecular consequence: 5 prime UTR variant. On other transcripts: intron variant (4).
Genome position (GRCh38, 1-based): chr17:46,172,156, G>A on the plus strand (C>T on the coding strand, the complement: KANSL1 is on the minus strand). VCF-style: chr17-46172156-G-A. GRCh37 (hg19) VCF-style: chr17-44249522-G-A.
Other names: c.-13C>T (NM_001405881.1, NM_001193465.2, NM_001193466.2 and 18 more transcripts); c.23+51515C>T (NM_001405885.1, NM_001405884.1, NM_001405883.1 and 1 more transcripts).
Identifiers: ClinVar variation 3769402 (VCV003769402.2).
Genomic context (GRCh38, chr17:46,172,156, plus strand): 5'-GTGTGCTTCAGCTGCTGCGTCAGTGAGAGCGGGCGCCATCGCAGCCATTCAGCACAGAGA[G>A]ACAGGAAGTCCAGCCTCTCCCGATGCCGAGGCCGAGGCCAGCTCCACGGCCCCTTACTGC-3'